The following is an entry in ClinVar:

ClinVar aggregate classification (germline): Uncertain significance (1 of 4 stars; one submission).

Submission:

Labcorp Genetics (formerly Invitae), Labcorp
Classification: Uncertain significance. Last evaluated: 2023-12-15. Review status: criteria provided, single submitter. Criteria: Invitae Variant Classification Sherloc (09022015). Collection method: clinical testing. Allele origin: germline.
Comment: This sequence change replaces alanine, which is neutral and non-polar, with threonine, which is neutral and polar, at codon 577 of the KIF11 protein (p.Ala577Thr). This variant is not present in population databases (gnomAD no frequency). This variant has not been reported in the literature in individuals affected with KIF11-related conditions. Advanced modeling of protein sequence and biophysical properties (such as structural, functional, and spatial information, amino acid conservation, physicochemical variation, residue mobility, and thermodynamic stability) performed at Invitae indicates that this missense variant is not expected to disrupt KIF11 protein function with a negative predictive value of 80%. In summary, the available evidence is currently insufficient to determine the role of this variant in disease. Therefore, it has been classified as a Variant of Uncertain Significance.

NM_004523.4(KIF11):c.1729G>A (p.Ala577Thr)

Gene: KIF11 (kinesin family member 11; plus strand). Cytogenetic location: 10q23.33.
Variant type: single nucleotide variant.
Coding change: c.1729G>A on transcript NM_004523.4 (MANE Select); coding-DNA position 1729, G replaced by A.
Protein change: p.Ala577Thr; replaces alanine 577 with threonine.
Molecular consequence: missense variant.
Genome position (GRCh38, 1-based): chr10:92,633,649, G>A. VCF-style: chr10-92633649-G-A. GRCh37 (hg19) VCF-style: chr10-94393406-G-A.
Other names: short protein forms A577T.
Identifiers: ClinVar variation 2703335 (VCV002703335.3), dbSNP rs2492520937, ClinGen allele CA377592573.